The following is an entry in ClinVar:

NM_001164508.2(NEB):c.12070del (p.Gln4024fs)

Gene: NEB (nebulin; minus strand). Cytogenetic location: 2q23.3.
Variant type: Deletion.
Coding change: c.12070del on transcript NM_001164508.2 (MANE Select); coding-DNA position 12070, one base deleted (C; older notation c.12070delC).
Protein change: p.Gln4024fs; shifts the reading frame from glutamine 4024.
Molecular consequence: frameshift variant.
Genome position (GRCh38, 1-based): chr2:151,610,069, G deleted on the plus strand (C on the coding strand, the reverse complement: NEB is on the minus strand); the first of 3 consecutive G bases (chr2:151,610,069-151,610,071); deleting any one gives the same sequence. VCF-style (leftmost placement, unchanged base first): chr2-151610068-TG-T. GRCh37 (hg19) VCF-style: chr2-152466582-TG-T.
Other names: c.12070del, p.Gln4024fs (NM_001164507.2, NM_001271208.2); c.11341del, p.Gln3781fs (NM_004543.5); c.12070delC (NM_001271208.1); short protein forms Q3781fs, Q4024fs.
Identifiers: ClinVar variation 3356056 (VCV003356056.1).

ClinVar aggregate classification (germline): Likely pathogenic (0 of 4 stars; one submission).

Conditions:
NEB-related disorder. Also called: NEB-related condition; NEB-Related Disorders.

Submission:

PreventionGenetics, part of Exact Sciences
Classification: Likely pathogenic for NEB-related condition. Last evaluated: 2024-06-22. Review status: no assertion criteria provided. Collection method: clinical testing. Allele origin: germline.
Comment: The NEB c.12070delC variant is predicted to result in a frameshift and premature protein termination (p.Gln4024Argfs*42). To our knowledge, this variant has not been reported in the literature or in a large population database, indicating this variant is rare. Frameshift variants in NEB are expected to be pathogenic. This variant is interpreted as likely pathogenic.